The following is an entry in ClinVar:

NM_001267550.2(TTN):c.67040T>C (p.Ile22347Thr)

Genes: TTN (titin; minus strand), TTN-AS1 (TTN antisense RNA 1; plus strand). Cytogenetic location: 2q31.2.
Variant type: single nucleotide variant.
Coding change: c.67040T>C on transcript NM_001267550.2 (MANE Select); coding-DNA position 67040, T replaced by C.
Protein change: p.Ile22347Thr; replaces isoleucine 22347 with threonine.
Molecular consequence: missense variant.
Genome position (GRCh38, 1-based): chr2:178,580,339, A>G on the plus strand (T>C on the coding strand, the complement: TTN is on the minus strand). VCF-style: chr2-178580339-A-G. GRCh37 (hg19) VCF-style: chr2-179445066-A-G.
Other names: c.62117T>C, p.Ile20706Thr (NM_001256850.1); c.39845T>C, p.Ile13282Thr (NM_003319.4); c.59336T>C, p.Ile19779Thr (NM_133378.4); c.40220T>C, p.Ile13407Thr (NM_133432.3); c.40421T>C, p.Ile13474Thr (NM_133437.4); short protein forms I13282T, I13407T, I13474T, I19779T, I20706T, I22347T.
Identifiers: ClinVar variation 3389972 (VCV003389972.14).

ClinVar aggregate classification (germline): Uncertain significance (1 of 4 stars; one submission).

gnomAD v4.1: 8 of 1,612,884 alleles (0.0005%); highest among the groups gnomAD compares: Non-Finnish European, 0.00068%; no homozygotes.

Submission:

CeGaT Center for Human Genetics Tuebingen
Classification: Uncertain significance. Last evaluated: 2024-10-01. Review status: criteria provided, single submitter. Criteria: CeGaT Center For Human Genetics Tuebingen Variant Classification Criteria Version 2. Collection method: clinical testing. Allele origin: germline. Affected: yes. Observed: 1 variant allele.
Comment: TTN: PM2